The following is an entry in ClinVar:

NM_001384732.1(CPLANE1):c.5570+6T>C

Gene: CPLANE1 (ciliogenesis and planar polarity effector complex subunit 1; minus strand). Cytogenetic location: 5p13.2.
Variant type: single nucleotide variant.
Coding change: c.5570+6T>C on transcript NM_001384732.1 (MANE Select); 6 bases into the intron after coding-DNA position 5570, T replaced by C.
Molecular consequence: intron variant.
Genome position (GRCh38, 1-based): chr5:37,180,851, A>G on the plus strand (T>C on the coding strand, the complement: CPLANE1 is on the minus strand). VCF-style: chr5-37180851-A-G. GRCh37 (hg19) VCF-style: chr5-37180953-A-G.
Other names: c.5570+6T>C (NM_023073.4).
Identifiers: ClinVar variation 1359459 (VCV001359459.7), dbSNP rs372376791, ClinGen allele CA3238520.

ClinVar aggregate classification (germline): Uncertain significance (1 of 4 stars; one submission).

Allele frequency attached by ClinVar (database versions not stated): gnomAD exomes below 0.00001; gnomAD 0.00001; TOPMed 0.00001; ExAC 0.00002; ESP Exome Variant Server 0.00015.
gnomAD v4.1: 3 of 1,613,418 alleles (0.00019%); highest among the groups gnomAD compares: African/African-American, 0.004%; no homozygotes.

Submission:

Labcorp Genetics (formerly Invitae), Labcorp
Classification: Uncertain significance. Last evaluated: 2024-08-05. Review status: criteria provided, single submitter. Criteria: Invitae Variant Classification Sherloc (09022015). Collection method: clinical testing. Allele origin: germline.
Comment: This sequence change falls in intron 27 of the CPLANE1 gene. It does not directly change the encoded amino acid sequence of the CPLANE1 protein. It affects a nucleotide within the consensus splice site. This variant is present in population databases (rs372376791, gnomAD 0.007%). This variant has not been reported in the literature in individuals affected with CPLANE1-related conditions. ClinVar contains an entry for this variant (Variation ID: 1359459). Variants that disrupt the consensus splice site are a relatively common cause of aberrant splicing (PMID: 17576681, 9536098). Algorithms developed to predict the effect of sequence changes on RNA splicing suggest that this variant may disrupt the consensus splice site. In summary, the available evidence is currently insufficient to determine the role of this variant in disease. Therefore, it has been classified as a Variant of Uncertain Significance.

Literature cited by the submitters: PubMed 17576681; PubMed 9536098.